The following is an entry in ClinVar:

ClinVar aggregate classification (germline): Uncertain significance (1 of 4 stars; one submission).

Conditions:
Emery-Dreifuss muscular dystrophy 4, autosomal dominant (EDMD4). Also called: EMERY-DREIFUSS MUSCULAR DYSTROPHY 4 WITH VARIABLE FEATURES. Identifiers: Orphanet 261, MedGen C2751807, MONDO:0013071, OMIM 612998.
Autosomal recessive ataxia, Beauce type. Also called: Spinocerebellar ataxia, autosomal recessive 8; ATAXIA, RECESSIVE, OF BEAUCE; SYNE1-Related Autosomal Recessive Cerebellar Ataxia; SYNE1 Deficiency. Identifiers: Orphanet 88644, MedGen C1853116, MONDO:0012549, OMIM 610743.

Submission:

Labcorp Genetics (formerly Invitae), Labcorp
Classification: Uncertain significance for Emery-Dreifuss muscular dystrophy 4, autosomal dominant; Autosomal recessive ataxia, Beauce type. Last evaluated: 2023-02-28. Review status: criteria provided, single submitter. Criteria: Invitae Variant Classification Sherloc (09022015). Collection method: clinical testing. Allele origin: germline.
Comment: This sequence change replaces alanine, which is neutral and non-polar, with threonine, which is neutral and polar, at codon 6599 of the SYNE1 protein (p.Ala6599Thr). This variant is not present in population databases (gnomAD no frequency). This variant has not been reported in the literature in individuals affected with SYNE1-related conditions. An algorithm developed to predict the effect of missense changes on protein structure and function (PolyPhen-2) suggests that this variant is likely to be disruptive. In summary, the available evidence is currently insufficient to determine the role of this variant in disease. Therefore, it has been classified as a Variant of Uncertain Significance.

NM_182961.4(SYNE1):c.20008G>A (p.Ala6670Thr)

Gene: SYNE1 (spectrin repeat containing nuclear envelope protein 1; minus strand). Cytogenetic location: 6q25.2.
Variant type: single nucleotide variant.
Coding change: c.20008G>A on transcript NM_182961.4 (MANE Select); coding-DNA position 20008, G replaced by A.
Protein change: p.Ala6670Thr; replaces alanine 6670 with threonine.
Molecular consequence: missense variant.
Genome position (GRCh38, 1-based): chr6:152,239,592, C>T on the plus strand (G>A on the coding strand, the complement: SYNE1 is on the minus strand). VCF-style: chr6-152239592-C-T. GRCh37 (hg19) VCF-style: chr6-152560727-C-T.
Other names: c.19795G>A, p.Ala6599Thr (NM_033071.5); short protein forms A6599T, A6670T.
Identifiers: ClinVar variation 2944801 (VCV002944801.3), dbSNP rs2551712067, ClinGen allele CA366126418.